The following is an entry in ClinVar:

ClinVar aggregate classification (germline): Likely benign (0 of 4 stars; one submission).

Conditions:
RIC1-related disorder. Also called: RIC1-related condition.

Allele frequency attached by ClinVar (database versions not stated): TOPMed 0.00003; gnomAD 0.00014; 1000 Genomes Project 30x 0.00078; 1000 Genomes Project 0.00080.
gnomAD v4.1: 300 of 1,577,026 alleles (0.019%); highest among the groups gnomAD compares: South Asian, 0.32%; 5 homozygotes.

Submission:

PreventionGenetics, part of Exact Sciences
Classification: Likely benign for RIC1-related condition. Last evaluated: 2022-03-21. Review status: no assertion criteria provided. Collection method: clinical testing. Allele origin: germline.
Comment: This variant is classified as likely benign based on ACMG/AMP sequence variant interpretation guidelines (Richards et al. 2015 PMID: 25741868, with internal and published modifications).

NM_020829.4(RIC1):c.1808C>G (p.Ala603Gly)

Gene: RIC1 (RIC1 homolog, RAB6A GEF complex partner 1; plus strand). Cytogenetic location: 9p24.1.
Variant type: single nucleotide variant.
Coding change: c.1808C>G on transcript NM_020829.4 (MANE Select); coding-DNA position 1808, C replaced by G.
Protein change: p.Ala603Gly; replaces alanine 603 with glycine.
Molecular consequence: missense variant.
Genome position (GRCh38, 1-based): chr9:5,756,327, C>G. VCF-style: chr9-5756327-C-G. GRCh37 (hg19) VCF-style: chr9-5756327-C-G.
Other names: c.1808C>G, p.Ala603Gly (NM_001135920.4); c.1697C>G, p.Ala566Gly (NM_001206557.2); short protein forms A566G, A603G.
Identifiers: ClinVar variation 3047542 (VCV003047542.2), dbSNP rs200919699, ClinGen allele CA4974761.